The following is an entry in ClinVar:

NM_004360.5(CDH1):c.921A>C (p.Gln307His)

Gene: CDH1 (cadherin 1; plus strand). Cytogenetic location: 16q22.1.
Variant type: single nucleotide variant.
Coding change: c.921A>C on transcript NM_004360.5 (MANE Select); coding-DNA position 921, A replaced by C.
Protein change: p.Gln307His; replaces glutamine 307 with histidine.
Molecular consequence: missense variant. On other transcripts: 5 prime UTR variant (2).
Genome position (GRCh38, 1-based): chr16:68,811,772, A>C. VCF-style: chr16-68811772-A-C. GRCh37 (hg19) VCF-style: chr16-68845675-A-C.
Other names: c.921A>C (LRG_301t1); c.921A>C, p.Gln307His (NM_001317184.2); c.-695A>C (NM_001317185.2); c.-899A>C (NM_001317186.2); short protein forms Q307H.
Identifiers: ClinVar variation 406657 (VCV000406657.9), dbSNP rs876660221, ClinGen allele CA16615373.

ClinVar aggregate classification (germline): Uncertain significance (1 of 4 stars; one submission).

Conditions:
Hereditary diffuse gastric adenocarcinoma (HDGC). Also called: DIFFUSE GASTRIC AND LOBULAR BREAST CANCER SYNDROME. Identifiers: Orphanet 26106, MedGen C1708349, MONDO:0007648, OMIM 137215.

Submission:

Labcorp Genetics (formerly Invitae), Labcorp
Classification: Uncertain significance for Hereditary diffuse gastric adenocarcinoma. Last evaluated: 2016-09-14. Review status: criteria provided, single submitter. Criteria: Invitae Variant Classification Sherloc (09022015). Collection method: clinical testing. Allele origin: germline.
Comment: In summary, this variant is a novel missense change with uncertain impact on protein function. Therefore, it has been classified as a Variant of Uncertain Significance. Algorithms developed to predict the effect of missense changes on protein structure and function do not agree on the potential impact of this missense change (SIFT: "Deleterious"; PolyPhen-2: "Probably Damaging"; Align-GVGD: "Class C15"). This variant is not present in population databases (ExAC no frequency) and has not been reported in the literature in individuals with a CDH1-related disease. This sequence change replaces glutamine with histidine at codon 307 of the CDH1 protein (p.Gln307His). The glutamine residue is highly conserved and there is a small physicochemical difference between glutamine and histidine.